The following is an entry in ClinVar:

NM_001378418.1(TCF20):c.2498A>G (p.Gln833Arg)

Gene: TCF20 (transcription factor 20; minus strand). Cytogenetic location: 22q13.2.
Variant type: single nucleotide variant.
Coding change: c.2498A>G on transcript NM_001378418.1 (MANE Select); coding-DNA position 2498, A replaced by G.
Protein change: p.Gln833Arg; replaces glutamine 833 with arginine.
Molecular consequence: missense variant.
Genome position (GRCh38, 1-based): chr22:42,212,808, T>C on the plus strand (A>G on the coding strand, the complement: TCF20 is on the minus strand). VCF-style: chr22-42212808-T-C. GRCh37 (hg19) VCF-style: chr22-42608814-T-C.
Other names: c.2498A>G, p.Gln833Arg (NM_005650.4, NM_181492.3); short protein forms Q833R.
Identifiers: ClinVar variation 3257354 (VCV003257354.17).

ClinVar aggregate classification (germline): Uncertain significance (1 of 4 stars; one submission).

Submission:

CeGaT Center for Human Genetics Tuebingen
Classification: Uncertain significance. Last evaluated: 2024-07-01. Review status: criteria provided, single submitter. Criteria: CeGaT Center For Human Genetics Tuebingen Variant Classification Criteria Version 2. Collection method: clinical testing. Allele origin: germline. Affected: yes. Observed: 1 variant allele.
Comment: TCF20: PM2